The following is an entry in ClinVar:

ClinVar aggregate classification (germline): Pathogenic (1 of 4 stars; one submission).

Conditions:
Familial thoracic aortic aneurysm and aortic dissection (TAAD). Also called: Thoracic aortic aneurysms and dissections. Identifiers: Orphanet 91387, MedGen C4707243, MONDO:0019625.

Submission:

Ambry Genetics
Classification: Pathogenic for Familial thoracic aortic aneurysm and aortic dissection. Last evaluated: 2020-01-13. Review status: criteria provided, single submitter. Criteria: Ambry Variant Classification Scheme 2023. Collection method: clinical testing. Allele origin: germline.
Comment: The c.3689delA pathogenic mutation, located in coding exon 48 of the COL3A1 gene, results from a deletion of one nucleotide at nucleotide position 3689, causing a translational frameshift with a predicted alternate stop codon (p.N1230Tfs*6). This alteration is expected to result in loss of function by premature protein truncation or nonsense-mediated mRNA decay. As such, this alteration is interpreted as a disease-causing mutation.

NM_000090.4(COL3A1):c.3689del (p.Asn1230fs)

Gene: COL3A1 (collagen type III alpha 1 chain; plus strand). Cytogenetic location: 2q32.2.
Variant type: Deletion.
Coding change: c.3689del on transcript NM_000090.4 (MANE Select); coding-DNA position 3689, one base deleted (A; older notation c.3689delA).
Protein change: p.Asn1230fs; shifts the reading frame from asparagine 1230.
Molecular consequence: frameshift variant.
Genome position (GRCh38, 1-based): chr2:189,009,087, A deleted; the last of 2 consecutive A bases (chr2:189,009,086-189,009,087); deleting either gives the same sequence. VCF-style (leftmost placement, unchanged base first): chr2-189009085-CA-C. GRCh37 (hg19) VCF-style: chr2-189873811-CA-C.
Other names: short protein forms N1230fs.
Identifiers: ClinVar variation 1733941 (VCV001733941.2), dbSNP rs2469166242, ClinGen allele CA2580065294.